The following is an entry in ClinVar:

NM_001365999.1(SZT2):c.8930C>T (p.Pro2977Leu)

Gene: SZT2 (SZT2 subunit of KICSTOR complex; plus strand). Cytogenetic location: 1p34.2.
Variant type: single nucleotide variant.
Coding change: c.8930C>T on transcript NM_001365999.1 (MANE Select); coding-DNA position 8930, C replaced by T.
Protein change: p.Pro2977Leu; replaces proline 2977 with leucine.
Molecular consequence: missense variant.
Genome position (GRCh38, 1-based): chr1:43,446,192, C>T. VCF-style: chr1-43446192-C-T. GRCh37 (hg19) VCF-style: chr1-43911863-C-T.
Other names: c.8759C>T, p.Pro2920Leu (NM_015284.4); short protein forms P2920L, P2977L.
Identifiers: ClinVar variation 588569 (VCV000588569.16), dbSNP rs761830930, ClinGen allele CA340041550.

ClinVar aggregate classification (germline): Uncertain significance. Review status: criteria provided, multiple submitters, no conflicts (2 of 4 stars). 5 submissions from 5 submitters: Uncertain significance (5). Last evaluated 2025-12-09.

Conditions:
Developmental and epileptic encephalopathy, 18 (DEE18). Also called: Early infantile epileptic encephalopathy 18. Identifiers: Orphanet 369894, MedGen C3809624, MONDO:0014201, OMIM 615476.
Inborn genetic diseases. Identifiers: MedGen C0950123, MeSH D030342.

Allele frequency attached by ClinVar (database versions not stated): TOPMed 0.00002; gnomAD 0.00003.
gnomAD v4.1: 12 of 1,614,086 alleles (0.00074%); highest among the groups gnomAD compares: Middle Eastern, 0.033%; 1 homozygote.

Submissions (5):

Ambry Genetics
Classification: Uncertain significance for Inborn genetic diseases. Last evaluated: 2025-12-09. Review status: criteria provided, single submitter. Criteria: Ambry Variant Classification Scheme 2023. Collection method: clinical testing. Allele origin: germline.

Athena Diagnostics
Classification: Uncertain significance. Last evaluated: 2024-12-09. Review status: criteria provided, single submitter. Criteria: Athena Diagnostics Criteria. Collection method: clinical testing. Allele origin: unknown.
Comment: Available data are insufficient to determine the clinical significance of the variant at this time. The frequency of this variant in the general population is uninformative in assessment of its pathogenicity. Computational tools predict that this variant is not damaging.

Genome-Nilou Lab
Classification: Uncertain significance for Developmental and epileptic encephalopathy, 18. Last evaluated: 2023-04-11. Review status: criteria provided, single submitter. Criteria: ACMG Guidelines, 2015. Collection method: clinical testing. Allele origin: germline. Affected: no.

Labcorp Genetics (formerly Invitae), Labcorp
Classification: Uncertain significance. Last evaluated: 2022-08-13. Review status: criteria provided, single submitter. Criteria: Invitae Variant Classification Sherloc (09022015). Collection method: clinical testing. Allele origin: germline.
Comment: This sequence change replaces proline, which is neutral and non-polar, with leucine, which is neutral and non-polar, at codon 2920 of the SZT2 protein (p.Pro2920Leu). This variant is present in population databases (no rsID available, gnomAD 0.003%). This variant has not been reported in the literature in individuals affected with SZT2-related conditions. ClinVar contains an entry for this variant (Variation ID: 588569). Algorithms developed to predict the effect of missense changes on protein structure and function output the following: SIFT: "Tolerated"; PolyPhen-2: "Benign"; Align-GVGD: "Class C15". The leucine amino acid residue is found in multiple mammalian species, which suggests that this missense change does not adversely affect protein function. In summary, the available evidence is currently insufficient to determine the role of this variant in disease. Therefore, it has been classified as a Variant of Uncertain Significance.

GeneDx
Classification: Uncertain significance. Last evaluated: 2019-11-21. Review status: criteria provided, single submitter. Criteria: GeneDx Variant Classification Process June 2021. Collection method: clinical testing. Allele origin: germline. Affected: yes.
Comment: Not observed at a significant frequency in large population cohorts (Lek et al., 2016); In silico analysis, which includes protein predictors and evolutionary conservation, supports that this variant does not alter protein structure/function; Has not been previously published as pathogenic or benign to our knowledge